The following is an entry in ClinVar:

ClinVar aggregate classification (germline): Pathogenic (1 of 4 stars; one submission).

Submission:

Labcorp Genetics (formerly Invitae), Labcorp
Classification: Pathogenic. Last evaluated: 2023-07-26. Review status: criteria provided, single submitter. Criteria: Invitae Variant Classification Sherloc (09022015). Collection method: clinical testing. Allele origin: germline.
Comment: For these reasons, this variant has been classified as Pathogenic. ClinVar contains an entry for this variant (Variation ID: 946545). This variant has not been reported in the literature in individuals affected with ELP1-related conditions. This variant is not present in population databases (gnomAD no frequency). This sequence change creates a premature translational stop signal (p.Gln1059*) in the ELP1 gene. It is expected to result in an absent or disrupted protein product. Loss-of-function variants in ELP1 are known to be pathogenic (PMID: 18303054, 24173031).

Literature cited by the submitters: PubMed 18303054; PubMed 24173031.

NM_003640.5(ELP1):c.3175C>T (p.Gln1059Ter)

Gene: ELP1 (elongator acetyltransferase complex subunit 1; minus strand). Cytogenetic location: 9q31.3.
Variant type: single nucleotide variant.
Coding change: c.3175C>T on transcript NM_003640.5 (MANE Select); coding-DNA position 3175, C replaced by T.
Protein change: p.Gln1059Ter; replaces glutamine 1059 with a stop codon.
Molecular consequence: nonsense.
Genome position (GRCh38, 1-based): chr9:108,889,379, G>A on the plus strand (C>T on the coding strand, the complement: ELP1 is on the minus strand). VCF-style: chr9-108889379-G-A. GRCh37 (hg19) VCF-style: chr9-111651659-G-A.
Other names: c.2833C>T, p.Gln945Ter (NM_001318360.2); c.2128C>T, p.Gln710Ter (NM_001330749.2); short protein forms Q710*, Q945*, Q1059*.
Identifiers: ClinVar variation 946545 (VCV000946545.7), dbSNP rs1828239449, ClinGen allele CA374414983.